The following is an entry in ClinVar:

ClinVar aggregate classification (germline): Pathogenic (1 of 4 stars; one submission).

Conditions:
Frontonasal dysplasia - severe microphthalmia - severe facial clefting syndrome. Identifiers: Orphanet 306542, MedGen C3150706, MONDO:0013271, OMIM 613456.

Submission:

Women's Health and Genetics/Laboratory Corporation of America, LabCorp
Classification: Pathogenic for Frontonasal dysplasia - severe microphthalmia - severe facial clefting syndrome. Last evaluated: 2024-02-27. Review status: criteria provided, single submitter. Criteria: LabCorp Variant Classification Summary - May 2015. Collection method: clinical testing. Allele origin: germline.
Comment: Variant summary: The variant involves the deletion of exons 1-4 (entire gene) in the ALX1 gene. A presumed nomenclature of c.(?_-43)_(*310_?)del has been designated for the purposes of this classification. This deletion includes the entire coding sequence of the gene. As the exact proximal and distal breakpoints are unknown, it may extend beyond the annotated region of the gene to include other flanking genes. The variant allele was found at a frequency of 4.6e-05 in 21694 control chromosomes. To our knowledge, no occurrence of c.(?_-43)_(*310_?)del in individuals affected with Frontonasal Dysplasia, Severe Microphthalmia, Severe Facial Clefting Syndrome and no experimental evidence demonstrating its impact on protein function have been reported. No submitters have cited clinical-significance assessments for this variant to ClinVar. Based on the evidence outlined above, the variant was classified as pathogenic.

NC_000012.11:g.(?_85673997)_(85695563_?)del

Gene: ALX1 (ALX homeobox 1; plus strand). Cytogenetic location: 12q21.31.
Variant type: Deletion.
Identifiers: ClinVar variation 3069063 (VCV003069063.1).